The following is an entry in ClinVar:

NM_001011547.3(SLC5A9):c.312C>G (p.Gly104=)

Gene: SLC5A9 (solute carrier family 5 member 9; plus strand). Cytogenetic location: 1p33.
Variant type: single nucleotide variant.
Coding change: c.312C>G on transcript NM_001011547.3 (MANE Select); coding-DNA position 312, C replaced by G.
Protein change: p.Gly104=; no amino-acid change (glycine 104 retained).
Molecular consequence: synonymous variant.
Genome position (GRCh38, 1-based): chr1:48,228,927, C>G. VCF-style: chr1-48228927-C-G. GRCh37 (hg19) VCF-style: chr1-48694599-C-G.
Other names: c.312C>G, p.Gly104= (NM_001135181.2).
Identifiers: ClinVar variation 3047851 (VCV003047851.2), dbSNP rs200586919, ClinGen allele CA843465.

ClinVar aggregate classification (germline): Likely benign (0 of 4 stars; one submission).

Conditions:
SLC5A9-related disorder. Also called: SLC5A9-related condition.

Allele frequency attached by ClinVar (database versions not stated): 1000 Genomes Project 0.00060; 1000 Genomes Project 30x 0.00078; TOPMed 0.00088; gnomAD 0.00094; ExAC 0.00101; ESP Exome Variant Server 0.00108; gnomAD exomes 0.00169.
gnomAD v4.1: 2,597 of 1,613,442 alleles (0.16%); highest among the groups gnomAD compares: Non-Finnish European, 0.2%; 2 homozygotes.

Submission:

PreventionGenetics, part of Exact Sciences
Classification: Likely benign for SLC5A9-related condition. Last evaluated: 2024-01-05. Review status: no assertion criteria provided. Collection method: clinical testing. Allele origin: germline.
Comment: This variant is classified as likely benign based on ACMG/AMP sequence variant interpretation guidelines (Richards et al. 2015 PMID: 25741868, with internal and published modifications).